The following is an entry in ClinVar:

ClinVar aggregate classification (germline): Uncertain significance. Review status: criteria provided, multiple submitters, no conflicts (2 of 4 stars). 2 submissions from 2 submitters: Uncertain significance (2). Last evaluated 2025-08-20.

Conditions:
Mendelian susceptibility to mycobacterial diseases due to complete ISG15 deficiency. Also called: Immunodeficiency 38; IMMUNODEFICIENCY 38, MYCOBACTERIOSIS, AUTOSOMAL RECESSIVE; ISG15 DEFICIENCY, AUTOSOMAL RECESSIVE; Immunodeficiency 38 with basal ganglia calcification. Identifiers: Orphanet 319563, MedGen C4015293, MONDO:0014502, OMIM 616126.

Allele frequency attached by ClinVar (database versions not stated): gnomAD exomes 0.00001; ExAC 0.00002.

Submissions (2):

Ambry Genetics
Classification: Uncertain significance. Last evaluated: 2025-08-20. Review status: criteria provided, single submitter. Criteria: Ambry Variant Classification Scheme 2023. Collection method: clinical testing. Allele origin: germline.

Labcorp Genetics (formerly Invitae), Labcorp
Classification: Uncertain significance for Mendelian susceptibility to mycobacterial diseases due to complete ISG15 deficiency. Last evaluated: 2024-11-05. Review status: criteria provided, single submitter. Criteria: Invitae Variant Classification Sherloc (09022015). Collection method: clinical testing. Allele origin: germline.
Comment: This sequence change replaces methionine, which is neutral and non-polar, with valine, which is neutral and non-polar, at codon 150 of the ISG15 protein (p.Met150Val). This variant is present in population databases (rs765354811, gnomAD 0.002%). This variant has not been reported in the literature in individuals affected with ISG15-related conditions. ClinVar contains an entry for this variant (Variation ID: 1463858). An algorithm developed to predict the effect of missense changes on protein structure and function (PolyPhen-2) suggests that this variant is likely to be disruptive. In summary, the available evidence is currently insufficient to determine the role of this variant in disease. Therefore, it has been classified as a Variant of Uncertain Significance.

NM_005101.4(ISG15):c.448A>G (p.Met150Val)

Gene: ISG15 (ISG15 ubiquitin like modifier; plus strand). Cytogenetic location: 1p36.33.
Variant type: single nucleotide variant.
Coding change: c.448A>G on transcript NM_005101.4 (MANE Select); coding-DNA position 448, A replaced by G.
Protein change: p.Met150Val; replaces methionine 150 with valine.
Molecular consequence: missense variant.
Genome position (GRCh38, 1-based): chr1:1,014,428, A>G. VCF-style: chr1-1014428-A-G. GRCh37 (hg19) VCF-style: chr1-949808-A-G.
Other names: c.448A>G (NM_005101.3); short protein forms M150V.
Identifiers: ClinVar variation 1463858 (VCV001463858.9), dbSNP rs765354811, ClinGen allele CA507716.